The following is an entry in ClinVar:

NM_032043.3(BRIP1):c.632C>T (p.Pro211Leu)

Gene: BRIP1 (BRCA1 interacting DNA helicase 1; minus strand). Cytogenetic location: 17q23.2.
Variant type: single nucleotide variant.
Coding change: c.632C>T on transcript NM_032043.3 (MANE Select); coding-DNA position 632, C replaced by T.
Protein change: p.Pro211Leu; replaces proline 211 with leucine.
Molecular consequence: missense variant.
Genome position (GRCh38, 1-based): chr17:61,808,753, G>A on the plus strand (C>T on the coding strand, the complement: BRIP1 is on the minus strand). VCF-style: chr17-61808753-G-A. GRCh37 (hg19) VCF-style: chr17-59886114-G-A.
Other names: short protein forms P211L.
Identifiers: ClinVar variation 461176 (VCV000461176.18), dbSNP rs780026145, ClinGen allele CA8690871.
Genomic context (GRCh38, chr17:61,808,753, plus strand): 5'-TTCGATGACTCTTGACTGTTTCCTTGTTTAGTAGAACAACAGCACCTAGAACAGTGGCCA[G>A]GGGGCTGTAAGAAAGGAAAGAAACGATAACTAATATCTAAACTACCATAAAAAACGTTAT-3'
Protein context (NP_114432.2, residues 201-221): KINSFSPQKP[Pro211Leu]GHCSRCCCST

ClinVar aggregate classification (germline): Uncertain significance. Review status: criteria provided, multiple submitters, no conflicts (2 of 4 stars). 5 submissions from 5 submitters: Uncertain significance (5). Last evaluated 2024-12-16.

Conditions:
Hereditary cancer-predisposing syndrome. Also called: Hereditary neoplastic syndrome; Neoplastic Syndromes, Hereditary; Tumor predisposition; Hereditary Cancer Syndrome. Identifiers: Orphanet 140162, MedGen C0027672, MeSH D009386, MONDO:0015356.
Fanconi anemia complementation group J. Also called: BRIP1-Related Fanconi Anemia. Identifiers: Orphanet 84, MedGen C1836860, MONDO:0012187, OMIM 609054.
Familial cancer of breast. Also called: BREAST CANCER, FAMILIAL; hereditary breast carcinoma; Hereditary breast cancer. Identifiers: Orphanet 227535, MedGen C0346153, MONDO:0016419, OMIM 114480. Disease mechanism: loss of function.

Allele frequency attached by ClinVar (database versions not stated): gnomAD below 0.00001 and 0.00001; ExAC 0.00002; gnomAD exomes 0.00002.
gnomAD v4.1: 10 of 1,612,136 alleles (0.00062%); highest among the groups gnomAD compares: South Asian, 0.0099%; no homozygotes.

Submissions (5):

Labcorp Genetics (formerly Invitae), Labcorp
Classification: Uncertain significance for Familial cancer of breast; Fanconi anemia complementation group J. Last evaluated: 2024-12-16. Review status: criteria provided, single submitter. Criteria: Invitae Variant Classification Sherloc (09022015). Collection method: clinical testing. Allele origin: germline.
Comment: This sequence change replaces proline, which is neutral and non-polar, with leucine, which is neutral and non-polar, at codon 211 of the BRIP1 protein (p.Pro211Leu). This variant is present in population databases (rs780026145, gnomAD 0.01%). This variant has not been reported in the literature in individuals affected with BRIP1-related conditions. ClinVar contains an entry for this variant (Variation ID: 461176). Invitae Evidence Modeling of protein sequence and biophysical properties (such as structural, functional, and spatial information, amino acid conservation, physicochemical variation, residue mobility, and thermodynamic stability) indicates that this missense variant is not expected to disrupt BRIP1 protein function with a negative predictive value of 95%. In summary, the available evidence is currently insufficient to determine the role of this variant in disease. Therefore, it has been classified as a Variant of Uncertain Significance.

Ambry Genetics
Classification: Uncertain significance for Hereditary cancer-predisposing syndrome. Last evaluated: 2024-05-29. Review status: criteria provided, single submitter. Criteria: Ambry Variant Classification Scheme 2023. Collection method: clinical testing. Allele origin: germline.

Color Diagnostics, LLC DBA Color Health
Classification: Uncertain significance for Hereditary cancer-predisposing syndrome. Last evaluated: 2024-03-06. Review status: criteria provided, single submitter. Criteria: ACMG Guidelines, 2015. Collection method: clinical testing. Allele origin: germline.
Comment: This missense variant replaces proline with leucine at codon 211 of the BRIP1 protein. Computational prediction suggests that this variant may not impact protein structure and function (internally defined REVEL score threshold <= 0.5, PMID: 27666373). To our knowledge, functional studies have not been reported for this variant. This variant has not been reported in individuals affected with hereditary cancer in the literature. This variant has been identified in 4/249024 chromosomes in the general population by the Genome Aggregation Database (gnomAD). The available evidence is insufficient to determine the role of this variant in disease conclusively. Therefore, this variant is classified as a Variant of Uncertain Significance.

Baylor Genetics
Classification: Uncertain significance for Familial cancer of breast. Last evaluated: 2023-11-19. Review status: criteria provided, single submitter. Criteria: ACMG Guidelines, 2015. Collection method: clinical testing. Allele origin: unknown.

Quest Diagnostics Nichols Institute San Juan Capistrano
Classification: Uncertain significance. Last evaluated: 2020-04-10. Review status: criteria provided, single submitter. Criteria: Quest Diagnostics criteria. Collection method: clinical testing. Allele origin: unknown.